The following is an entry in ClinVar:

ClinVar aggregate classification (germline): Likely benign. Review status: criteria provided, multiple submitters, no conflicts (2 of 4 stars). 3 submissions from 3 submitters: Likely benign (3). Last evaluated 2024-09-23.

Conditions:
RYR1-related disorder. Also called: RYR1-related condition; RYR1-related disorders. Identifiers: MedGen CN239331.
Malignant hyperthermia, susceptibility to, 1 (MHS1). Also called: RYR1-Related Malignant Hyperthermia Susceptibility; Malignant hyperthermia suceptibility 1; Anesthesia related hyperthermia; Malignant hyperpyrexia; Fulminating hyperpyrexia; Pharmacogenic myopathy. Identifiers: Orphanet 423, MedGen C2930980, MONDO:0007783, OMIM 145600.

Allele frequency attached by ClinVar (database versions not stated): gnomAD exomes below 0.00001 and 0.00001; ExAC 0.00002; gnomAD 0.00002 and 0.00003; TOPMed 0.00003; 1000 Genomes Project 0.00020; 1000 Genomes Project 30x 0.00031.
gnomAD v4.1: 7 of 1,601,920 alleles (0.00044%); highest among the groups gnomAD compares: African/African-American, 0.008%; no homozygotes.

Submissions (3):

All of Us Research Program, National Institutes of Health
Classification: Likely benign for Malignant hyperthermia, susceptibility to, 1. Last evaluated: 2024-09-23. Review status: criteria provided, single submitter. Criteria: ACMG Guidelines, 2015. Collection method: clinical testing. Allele origin: germline. Inheritance: Autosomal dominant inheritance. Observed: 3 variant alleles, 3 heterozygotes.
Comment: This study involves interpretation of variants in research participants for the purpose of population health screening. Participant phenotype was not available at the time of variant classification. Additional details can be found in publication PMID: 35346344, PMCID: PMC8962531

Labcorp Genetics (formerly Invitae), Labcorp
Classification: Likely benign for RYR1-related disorder. Last evaluated: 2024-05-24. Review status: criteria provided, single submitter. Criteria: Invitae Variant Classification Sherloc (09022015). Collection method: clinical testing. Allele origin: germline.

Color Diagnostics, LLC DBA Color Health
Classification: Likely benign for Malignant hyperthermia, susceptibility to, 1. Last evaluated: 2022-11-06. Review status: criteria provided, single submitter. Criteria: ACMG Guidelines, 2015. Collection method: clinical testing. Allele origin: germline.

NM_000540.3(RYR1):c.10221C>T (p.Ala3407=)

Gene: RYR1 (ryanodine receptor 1; plus strand). Cytogenetic location: 19q13.2.
Variant type: single nucleotide variant.
Coding change: c.10221C>T on transcript NM_000540.3 (MANE Select); coding-DNA position 10221, C replaced by T.
Protein change: p.Ala3407=; no amino-acid change (alanine 3407 retained).
Molecular consequence: synonymous variant.
Genome position (GRCh38, 1-based): chr19:38,519,416, C>T. VCF-style: chr19-38519416-C-T. GRCh37 (hg19) VCF-style: chr19-39010056-C-T.
Other names: c.10221C>T, p.Ala3407= (NM_001042723.2).
Identifiers: ClinVar variation 1108043 (VCV001108043.11), dbSNP rs533304632, ClinGen allele CA052631.